The following is an entry in ClinVar:

ClinVar aggregate classification (germline): Uncertain significance (1 of 4 stars; one submission).

Allele frequency attached by ClinVar (database versions not stated): gnomAD exomes 0.00001.
gnomAD v4.1: 3 of 1,212,007 alleles (0.00025%); highest among the groups gnomAD compares: Non-Finnish European, 0.00022%; no homozygotes.

Submission:

CeGaT Center for Human Genetics Tuebingen
Classification: Uncertain significance. Last evaluated: 2024-04-01. Review status: criteria provided, single submitter. Criteria: CeGaT Center For Human Genetics Tuebingen Variant Classification Criteria Version 2. Collection method: clinical testing. Allele origin: germline. Affected: yes. Observed: 1 variant allele.
Comment: GPRASP2: PM2, BP4

NM_001004051.4(GPRASP2):c.1703G>A (p.Arg568Gln)

Genes: ARMCX5-GPRASP2 (ARMCX5-GPRASP2 readthrough; plus strand), GPRASP2 (G protein-coupled receptor associated sorting protein 2; plus strand). Cytogenetic location: Xq22.1.
Variant type: single nucleotide variant.
Coding change: c.1703G>A on transcript NM_001004051.4 (MANE Select); coding-DNA position 1703, G replaced by A.
Protein change: p.Arg568Gln; replaces arginine 568 with glutamine.
Molecular consequence: missense variant. On other transcripts: intron variant (3).
Genome position (GRCh38, 1-based): chrX:102,716,572, G>A. VCF-style: chrX-102716572-G-A. GRCh37 (hg19) VCF-style: chrX-101971500-G-A.
Other names: c.1703G>A, p.Arg568Gln (NM_001199818.1, NM_001184874.3, NM_001184875.3 and 2 more transcripts); c.-820+2306G>A (NM_001350268.2); c.-752+2306G>A (NM_001350269.2); c.-721+2306G>A (NM_001350270.1); short protein forms R568Q.
Identifiers: ClinVar variation 3234775 (VCV003234775.20), dbSNP rs931798164, ClinGen allele CA333922736.